The following is an entry in ClinVar:

ClinVar aggregate classification (germline): Uncertain significance. Review status: criteria provided, multiple submitters, no conflicts (2 of 4 stars). 6 submissions from 6 submitters: Uncertain significance (6). Last evaluated 2024-04-16.

Conditions:
Fanconi anemia (FA). Also called: Fanconi's anemia. Identifiers: Orphanet 84, MedGen C0015625, MeSH D005199, MONDO:0019391.
Fanconi anemia complementation group I (FANCI). Also called: FANCI-Related Fanconi Anemia. Identifiers: Orphanet 84, MedGen C1836861, MONDO:0012186, OMIM 609053.

Allele frequency attached by ClinVar (database versions not stated): ESP Exome Variant Server 0.00008; 1000 Genomes Project 30x 0.00016; ExAC 0.00019; gnomAD 0.00019; 1000 Genomes Project 0.00020; TOPMed 0.00020; gnomAD exomes 0.00022.
gnomAD v4.1: 555 of 1,613,430 alleles (0.034%); highest among the groups gnomAD compares: Non-Finnish European, 0.043%; no homozygotes.

Submissions (6):

Fulgent Genetics
Classification: Uncertain significance for Fanconi anemia complementation group I. Last evaluated: 2024-04-16. Review status: criteria provided, single submitter. Criteria: ACMG Guidelines, 2015. Collection method: clinical testing. Allele origin: germline.

Labcorp Genetics (formerly Invitae), Labcorp
Classification: Uncertain significance for Fanconi anemia. Last evaluated: 2024-01-25. Review status: criteria provided, single submitter. Criteria: Invitae Variant Classification Sherloc (09022015). Collection method: clinical testing. Allele origin: germline.
Comment: This sequence change replaces valine, which is neutral and non-polar, with isoleucine, which is neutral and non-polar, at codon 467 of the FANCI protein (p.Val467Ile). This variant is present in population databases (rs199726965, gnomAD 0.04%). This variant has not been reported in the literature in individuals affected with FANCI-related conditions. ClinVar contains an entry for this variant (Variation ID: 238308). Advanced modeling of protein sequence and biophysical properties (such as structural, functional, and spatial information, amino acid conservation, physicochemical variation, residue mobility, and thermodynamic stability) performed at Invitae indicates that this missense variant is not expected to disrupt FANCI protein function with a negative predictive value of 80%. In summary, the available evidence is currently insufficient to determine the role of this variant in disease. Therefore, it has been classified as a Variant of Uncertain Significance.

GeneDx
Classification: Uncertain significance. Last evaluated: 2023-01-26. Review status: criteria provided, single submitter. Criteria: GeneDx Variant Classification Process June 2021. Collection method: clinical testing. Allele origin: germline. Affected: yes.
Comment: In silico analysis supports that this missense variant does not alter protein structure/function; Observed in individuals with head and neck squamous cell carcinoma and/or ovarian cancer, and also in unaffected controls (Chandrasekharappa et al., 2017; Song et al. 2021); This variant is associated with the following publications: (PMID: 32546565, 28678401)

Sema4
Classification: Uncertain significance for Fanconi anemia. Last evaluated: 2021-08-19. Review status: criteria provided, single submitter. Criteria: Sema4 Curation Guidelines. Collection method: curation. Allele origin: germline.
Comment: The FANCI c.1399G>A (p.V467I) variant has been reported in individuals with head and neck carcinoma and ovarian cancer (PMID: 28678401, 32546565). However, it was also observed in controls (PMID: 32546565). This variant was observed in 46/129088 chromosomes in the Non-Finnish European population, with no homozygotes, according to the Genome Aggregation Database (PMID: 32461654). The variant has been reported in ClinVar (Variation ID 238308). Functional studies have not been performed, and in silico predictions of the variant's effect on protein function are inconclusive. The evidence is insufficient to meet ACMG/AMP criteria for classifying the variant as benign or pathogenic. Thus, the clinical significance of this variant is currently uncertain.

Genetic Services Laboratory, University of Chicago
Classification: Uncertain significance. Last evaluated: 2020-01-13. Review status: criteria provided, single submitter. Criteria: ACMG Guidelines, 2015. Collection method: clinical testing. Allele origin: germline. Affected: no.
Comment: DNA sequence analysis of the FANCI gene demonstrated a sequence change, c.1399G>A, in exon 15 that results in an amino acid change, p.Val467Ile. This sequence change does not appear to have been previously described in patients with FANCI-related disorders and has been described in the gnomAD database with a frequency of 0.04% in European populations (dbSNP rs199726965). The p.Val467Ile change affects a moderately conserved amino acid residue located in a domain of the FANCI protein that is not known to be functional. The p.Val467Ile substitution appears to be benign using several in-silico pathogenicity prediction tools (SIFT, PolyPhen2, Align GVGD, REVEL). Due to these contrasting evidences and the lack of functional studies, the clinical significance of the p.Val467Ile change remains unknown at this time.

Illumina Laboratory Services, Illumina
Classification: Uncertain significance for Fanconi anemia complementation group I. Last evaluated: 2018-01-12. Review status: criteria provided, single submitter. Criteria: ICSL Variant Classification Criteria 13 December 2019. Collection method: clinical testing. Allele origin: germline.

Literature cited by the submitters: PubMed 28678401 (cited by Sema4); PubMed 32546565 (cited by Sema4).

NM_001113378.2(FANCI):c.1399G>A (p.Val467Ile)

Gene: FANCI (FA complementation group I; plus strand). Cytogenetic location: 15q26.1.
Variant type: single nucleotide variant.
Coding change: c.1399G>A on transcript NM_001113378.2 (MANE Select); coding-DNA position 1399, G replaced by A.
Protein change: p.Val467Ile; replaces valine 467 with isoleucine.
Molecular consequence: missense variant.
Genome position (GRCh38, 1-based): chr15:89,281,187, G>A. VCF-style: chr15-89281187-G-A. GRCh37 (hg19) VCF-style: chr15-89824418-G-A.
Other names: c.1120G>A, p.Val374Ile (NM_001376910.1); c.1399G>A, p.Val467Ile (NM_001376911.1, NM_018193.3); short protein forms V467I, V374I.
Identifiers: ClinVar variation 238308 (VCV000238308.17), dbSNP rs199726965, ClinGen allele CA7723016.